The following is an entry in ClinVar:

ClinVar aggregate classification (germline): Uncertain significance. Review status: criteria provided, multiple submitters, no conflicts (2 of 4 stars). 2 submissions from 2 submitters: Uncertain significance (2). Last evaluated 2025-10-02.

Conditions:
Inborn genetic diseases. Identifiers: MedGen C0950123, MeSH D030342.

gnomAD v4.1: 11 of 1,609,718 alleles (0.00068%); highest among the groups gnomAD compares: South Asian, 0.0011%; no homozygotes.

Submissions (2):

Ambry Genetics
Classification: Uncertain significance for Inborn genetic diseases. Last evaluated: 2025-10-02. Review status: criteria provided, single submitter. Criteria: Ambry Variant Classification Scheme 2023. Collection method: clinical testing. Allele origin: germline.

Labcorp Genetics (formerly Invitae), Labcorp
Classification: Uncertain significance. Last evaluated: 2023-09-08. Review status: criteria provided, single submitter. Criteria: Invitae Variant Classification Sherloc (09022015). Collection method: clinical testing. Allele origin: germline.
Comment: This sequence change replaces arginine, which is basic and polar, with cysteine, which is neutral and slightly polar, at codon 855 of the UNC45A protein (p.Arg855Cys). This variant is not present in population databases (gnomAD no frequency). In summary, the available evidence is currently insufficient to determine the role of this variant in disease. Therefore, it has been classified as a Variant of Uncertain Significance. Advanced modeling of protein sequence and biophysical properties (such as structural, functional, and spatial information, amino acid conservation, physicochemical variation, residue mobility, and thermodynamic stability) performed at Invitae indicates that this missense variant is expected to disrupt UNC45A protein function. This variant has not been reported in the literature in individuals affected with UNC45A-related conditions.

NM_018671.5(UNC45A):c.2563C>T (p.Arg855Cys)

Genes: UNC45A (unc-45 myosin chaperone A; plus strand), RCCD1-AS1 (RCCD1 and UNC45A antisense RNA 1; minus strand). Cytogenetic location: 15q26.1.
Variant type: single nucleotide variant.
Coding change: c.2563C>T on transcript NM_018671.5 (MANE Select); coding-DNA position 2563, C replaced by T.
Protein change: p.Arg855Cys; replaces arginine 855 with cysteine.
Molecular consequence: missense variant.
Genome position (GRCh38, 1-based): chr15:90,953,296, C>T. VCF-style: chr15-90953296-C-T. GRCh37 (hg19) VCF-style: chr15-91496526-C-T.
Other names: c.2563C>T (NM_018671.3); c.2518C>T, p.Arg840Cys (NM_001039675.2, NM_001323621.2); c.2563C>T, p.Arg855Cys (NM_001323619.1); c.2128C>T, p.Arg710Cys (NM_001323620.2); short protein forms R855C, R710C, R840C.
Identifiers: ClinVar variation 2974066 (VCV002974066.4), dbSNP rs780318812, ClinGen allele CA393862832.